The following is an entry in ClinVar:

NM_001354604.2(MITF):c.556A>G (p.Thr186Ala)

Gene: MITF (melanocyte inducing transcription factor; plus strand). Cytogenetic location: 3p13.
Variant type: single nucleotide variant.
Coding change: c.556A>G on transcript NM_001354604.2 (MANE Select); coding-DNA position 556, A replaced by G.
Protein change: p.Thr186Ala; replaces threonine 186 with alanine.
Molecular consequence: missense variant. On other transcripts: intron variant (1).
Genome position (GRCh38, 1-based): chr3:69,938,023, A>G. VCF-style: chr3-69938023-A-G. GRCh37 (hg19) VCF-style: chr3-69987174-A-G.
Other names: c.235A>G, p.Thr79Ala (NM_000248.4, NM_001184968.2, NM_198158.3); c.400A>G, p.Thr134Ala (NM_001184967.2, NM_001354608.2); c.553A>G, p.Thr185Ala (NM_001354605.2, NM_001354606.2, NM_006722.3); c.505A>G, p.Thr169Ala (NM_001354607.2); c.556A>G, p.Thr186Ala (NM_198159.3); c.508A>G, p.Thr170Ala (NM_198177.3); c.93+142A>G (NM_198178.3); short protein forms T169A, T79A, T134A, T170A, T185A, T186A.
Identifiers: ClinVar variation 4782674 (VCV004782674.1).

ClinVar aggregate classification (germline): Uncertain significance (1 of 4 stars; one submission).

Conditions:
Tietz syndrome (TADS). Also called: ALBINISM-DEAFNESS OF TIETZ; HYPOPIGMENTATION/DEAFNESS OF TIETZ; TIETZ ALBINISM-DEAFNESS SYNDROME. Identifiers: Orphanet 42665, MedGen C0391816, MONDO:0007077, OMIM 103500.
Waardenburg syndrome type 2A (WS2A). Also called: WAARDENBURG SYNDROME WITHOUT DYSTOPIA CANTHORUM. Identifiers: Orphanet 3440, MedGen C1860339, MONDO:0008671, OMIM 193510.
Melanoma, cutaneous malignant, susceptibility to, 8. Also called: MELANOMA AND RENAL CELL CARCINOMA, SUSCEPTIBILITY TO; Cutaneous malignant melanoma 8. Identifiers: Orphanet 293822, MedGen C3152204, MONDO:0013759, OMIM 614456.

Submission:

Labcorp Genetics (formerly Invitae), Labcorp
Classification: Uncertain significance for Melanoma, cutaneous malignant, susceptibility to, 8; Waardenburg syndrome type 2A; Tietz syndrome. Last evaluated: 2025-11-22. Review status: criteria provided, single submitter. Criteria: Invitae Variant Classification Sherloc (09022015). Collection method: clinical testing. Allele origin: germline.
Comment: This sequence change replaces threonine, which is neutral and polar, with alanine, which is neutral and non-polar, at codon 79 of the MITF protein (p.Thr79Ala). This variant is present in population databases (no rsID available, gnomAD 0.01%). This variant has not been reported in the literature in individuals affected with MITF-related conditions. Invitae Evidence Modeling of protein sequence and biophysical properties (such as structural, functional, and spatial information, amino acid conservation, physicochemical variation, residue mobility, and thermodynamic stability) indicates that this missense variant is not expected to disrupt MITF protein function with a negative predictive value of 80%. In summary, the available evidence is currently insufficient to determine the role of this variant in disease. Therefore, it has been classified as a Variant of Uncertain Significance.